The following is an entry in ClinVar:

NM_019109.5(ALG1):c.630-18G>A

Gene: ALG1 (ALG1 chitobiosyldiphosphodolichol beta-mannosyltransferase; plus strand). Cytogenetic location: 16p13.3.
Variant type: single nucleotide variant.
Coding change: c.630-18G>A on transcript NM_019109.5 (MANE Select); 18 bases into the intron before coding-DNA position 630, G replaced by A.
Molecular consequence: intron variant.
Genome position (GRCh38, 1-based): chr16:5,077,889, G>A. VCF-style: chr16-5077889-G-A. GRCh37 (hg19) VCF-style: chr16-5127890-G-A.
Other names: c.297-18G>A (NM_001330504.2).
Identifiers: ClinVar variation 384559 (VCV000384559.9), dbSNP rs545873278, ClinGen allele CA7889938.

ClinVar aggregate classification (germline): Likely benign. Review status: criteria provided, multiple submitters, no conflicts (2 of 4 stars). 2 submissions from 2 submitters: Likely benign (2). Last evaluated 2026-01-20.

Conditions:
ALG1-congenital disorder of glycosylation. Also called: ALG1-CDG; CONGENITAL DISORDER OF GLYCOSYLATION, TYPE Ik; CDG Ik. Identifiers: Orphanet 79327, MedGen C2931005, MONDO:0012052, OMIM 608540.

Allele frequency attached by ClinVar (database versions not stated): TOPMed 0.00006; 1000 Genomes Project 0.00020; 1000 Genomes Project 30x 0.00031.
gnomAD v4.1: 109 of 1,606,676 alleles (0.0068%); highest among the groups gnomAD compares: Non-Finnish European, 0.0082%; no homozygotes.

Submissions (2):

Labcorp Genetics (formerly Invitae), Labcorp
Classification: Likely benign for ALG1-congenital disorder of glycosylation. Last evaluated: 2026-01-20. Review status: criteria provided, single submitter. Criteria: Invitae Variant Classification Sherloc (09022015). Collection method: clinical testing. Allele origin: germline.

GeneDx
Classification: Likely benign. Last evaluated: 2016-03-17. Review status: criteria provided, single submitter. Criteria: GeneDx Variant Classification (06012015). Collection method: clinical testing. Allele origin: germline. Affected: yes.
Comment: This variant is considered likely benign or benign based on one or more of the following criteria: it is a conservative change, it occurs at a poorly conserved position in the protein, it is predicted to be benign by multiple in silico algorithms, and/or has population frequency not consistent with disease.